The following is an entry in ClinVar:

NM_206937.2(LIG4):c.1495G>A (p.Val499Met)

Gene: LIG4 (DNA ligase 4; minus strand). Cytogenetic location: 13q33.3.
Variant type: single nucleotide variant.
Coding change: c.1495G>A on transcript NM_206937.2 (MANE Select); coding-DNA position 1495, G replaced by A.
Protein change: p.Val499Met; replaces valine 499 with methionine.
Molecular consequence: missense variant.
Genome position (GRCh38, 1-based): chr13:108,209,774, C>T on the plus strand (G>A on the coding strand, the complement: LIG4 is on the minus strand). VCF-style: chr13-108209774-C-T. GRCh37 (hg19) VCF-style: chr13-108862122-C-T.
Other names: c.1495G>A, p.Val499Met (NM_001098268.2, NM_001352598.2, NM_001352599.2 and 6 more transcripts); c.1294G>A, p.Val432Met (NM_001330595.2); c.1531G>A, p.Val511Met (NM_001352604.2); short protein forms V432M, V499M, V511M.
Identifiers: ClinVar variation 941143 (VCV000941143.10), dbSNP rs767349135, ClinGen allele CA7043682.
Genomic context (GRCh38, chr13:108,209,774, plus strand): 5'-CCAGATCATACAGTTCTTTCATGGTGCAGCCAGACCCAACACGAGAGAGAGTATGAAACA[C>T]AGATGGCTTCTCACCAGGAGGGGGCTTCTCTGCTACTGCACACAGAAAATGAGACATCAT-3'
Protein context (NP_996820.1, residues 489-509): EKPPPGEKPS[Val499Met]FHTLSRVGSG

ClinVar aggregate classification (germline): Uncertain significance. Review status: criteria provided, multiple submitters, no conflicts (2 of 4 stars). 2 submissions from 2 submitters: Uncertain significance (2). Last evaluated 2025-10-17.

Conditions:
Inborn genetic diseases. Identifiers: MedGen C0950123, MeSH D030342.
DNA ligase IV deficiency. Identifiers: Orphanet 99812, MedGen C1847827, MONDO:0011686, OMIM 606593.

Allele frequency attached by ClinVar (database versions not stated): gnomAD exomes below 0.00001; TOPMed below 0.00001; ExAC 0.00001.
gnomAD v4.1: 6 of 1,614,110 alleles (0.00037%); highest among the groups gnomAD compares: Non-Finnish European, 0.00051%; no homozygotes.

Submissions (2):

Ambry Genetics
Classification: Uncertain significance for Inborn genetic diseases. Last evaluated: 2025-10-17. Review status: criteria provided, single submitter. Criteria: Ambry Variant Classification Scheme 2023. Collection method: clinical testing. Allele origin: germline.

Labcorp Genetics (formerly Invitae), Labcorp
Classification: Uncertain significance for DNA ligase IV deficiency. Last evaluated: 2019-09-22. Review status: criteria provided, single submitter. Criteria: Invitae Variant Classification Sherloc (09022015). Collection method: clinical testing. Allele origin: germline.
Comment: This sequence change replaces valine with methionine at codon 499 of the LIG4 protein (p.Val499Met). The valine residue is highly conserved and there is a small physicochemical difference between valine and methionine. This variant is present in population databases (rs767349135, ExAC 0.001%). This variant has not been reported in the literature in individuals with LIG4-related conditions. In summary, the available evidence is currently insufficient to determine the role of this variant in disease. Therefore, it has been classified as a Variant of Uncertain Significance. Algorithms developed to predict the effect of missense changes on protein structure and function are either unavailable or do not agree on the potential impact of this missense change (SIFT: "Tolerated"; PolyPhen-2: "Benign"; Align-GVGD: "Class C0").